The following is an entry in ClinVar:

ClinVar aggregate classification (germline): Uncertain significance. Review status: criteria provided, single submitter (1 of 4 stars). 2 submissions from 2 submitters: Uncertain significance (1). 1 of the submissions does not count toward it. Last evaluated 2025-06-06.

Conditions:
MED12-Related Disorders. Also called: MED12-related condition; MED12-related disorder. Identifiers: MedGen CN381102.
Familial thoracic aortic aneurysm and aortic dissection (TAAD). Also called: Thoracic aortic aneurysms and dissections. Identifiers: Orphanet 91387, MedGen C4707243, MONDO:0019625.

gnomAD v4.1: 1 of 1,210,170 alleles (0.000083%); highest among the groups gnomAD compares: Non-Finnish European, 0.00011%; no homozygotes.

Submissions (2):

Ambry Genetics
Classification: Uncertain significance for Familial thoracic aortic aneurysm and aortic dissection. Last evaluated: 2025-06-06. Review status: criteria provided, single submitter. Criteria: Ambry Variant Classification Scheme 2023. Collection method: clinical testing. Allele origin: germline.

PreventionGenetics, part of Exact Sciences
Classification: Uncertain significance for MED12-related condition. Last evaluated: 2024-03-15. Review status: no assertion criteria provided. Collection method: clinical testing. Allele origin: germline. Not counted in ClinVar's aggregate classification.
Comment: The MED12 c.5449C>T variant is predicted to result in the amino acid substitution p.Pro1817Ser. To our knowledge, this variant has not been reported in the literature or in a large population database, indicating this variant is rare. At this time, the clinical significance of this variant is uncertain due to the absence of conclusive functional and genetic evidence.

NM_005120.3(MED12):c.5449C>T (p.Pro1817Ser)

Gene: MED12 (mediator complex subunit 12; plus strand). Cytogenetic location: Xq13.1.
Variant type: single nucleotide variant.
Coding change: c.5449C>T on transcript NM_005120.3 (MANE Select); coding-DNA position 5449, C replaced by T.
Protein change: p.Pro1817Ser; replaces proline 1817 with serine.
Molecular consequence: missense variant.
Genome position (GRCh38, 1-based): chrX:71,136,927, C>T. VCF-style: chrX-71136927-C-T. GRCh37 (hg19) VCF-style: chrX-70356777-C-T.
Other names: short protein forms P1817S.
Identifiers: ClinVar variation 3355518 (VCV003355518.2).
Genomic context (GRCh38, chrX:71,136,927, plus strand): 5'-CCACTCACACAGGACTATGGAATGGGCCCGGGTCGGAGCGGCCCTTATGGTGTGACAGTG[C>T]CTCCGGACCTCCTGCACCACCCAAACCCTGGTTCTATAACACACCTTAACTACAGGCAAG-3'
Protein context (NP_005111.2, residues 1807-1827): GRSGPYGVTV[Pro1817Ser]PDLLHHPNPG